The following is an entry in ClinVar:

ClinVar aggregate classification (germline): Uncertain significance. Review status: criteria provided, multiple submitters, no conflicts (2 of 4 stars). 2 submissions from 2 submitters: Uncertain significance (2). Last evaluated 2025-02-18.

Submissions (2):

GeneDx
Classification: Uncertain significance. Last evaluated: 2025-02-18. Review status: criteria provided, single submitter. Criteria: GeneDx Variant Classification Process June 2021. Collection method: clinical testing. Allele origin: germline. Affected: yes.
Comment: Not observed at significant frequency in large population cohorts (gnomAD); Has not been previously published as pathogenic or benign to our knowledge; Frameshift variant predicted to result in protein truncation or nonsense mediated decay in a gene or region of a gene for which loss of function is not a well-established mechanism of disease; Variants in candidate genes are classified as variants of uncertain significance in accordance with ACMG guidelines (PMID: 25741868)

Labcorp Genetics (formerly Invitae), Labcorp
Classification: Uncertain significance. Last evaluated: 2024-10-09. Review status: criteria provided, single submitter. Criteria: Invitae Variant Classification Sherloc (09022015). Collection method: clinical testing. Allele origin: germline.
Comment: This sequence change creates a premature translational stop signal (p.Ser274Argfs*5) in the YAP1 gene. It is expected to result in an absent or disrupted protein product. However, the current clinical and genetic evidence is not sufficient to establish whether loss-of-function variants in YAP1 cause disease. This variant is not present in population databases (gnomAD no frequency). This variant has not been reported in the literature in individuals affected with YAP1-related conditions. In summary, the available evidence is currently insufficient to determine the role of this variant in disease. Therefore, it has been classified as a Variant of Uncertain Significance.

NM_001130145.3(YAP1):c.822_825del (p.Ser274fs)

Gene: YAP1 (Yes1 associated transcriptional regulator; plus strand). Cytogenetic location: 11q22.1.
Variant type: Microsatellite.
Coding change: c.822_825del on transcript NM_001130145.3 (MANE Select); coding-DNA positions 822 to 825, 4 bases deleted (TCAG; older notation c.822_825delTCAG).
Protein change: p.Ser274fs; shifts the reading frame from serine 274.
Molecular consequence: frameshift variant.
Genome position (GRCh38, 1-based): chr11:102,205,912-102,205,915, TCAG deleted; deleting any 4 consecutive bases within chr11:102,205,908-102,205,915 gives the same sequence; the c. name uses the placement nearest the transcript's 3' end. VCF-style (leftmost placement, unchanged base first): chr11-102205907-ATCAG-A. GRCh37 (hg19) VCF-style: chr11-102076638-ATCAG-A.
Other names: c.822_825del (NM_001130145.2); c.822_825del, p.Ser274fs (NM_001195044.2, NM_001282100.2, NM_001282101.2); c.288_291del, p.Ser96fs (NM_001195045.2); c.708_711del, p.Ser236fs (NM_001282097.2, NM_001282098.2, NM_001282099.2 and 1 more transcripts); short protein forms S236fs, S274fs, S96fs.
Identifiers: ClinVar variation 3722561 (VCV003722561.3).
Genomic context (GRCh38, chr11:102,205,907, plus strand): 5'-CTTCACTAGTTTTTTAGGACAGATTTTTTTTTTCTTTTCATTTCAGCCATGAACCAGAGA[ATCAG>A]TCAGAGTGCTCCAGTGAAACAGCCACCACCCCTGGCTCCCCAGAGCCCACAGGGAGGCGT-3'